The following is an entry in ClinVar:

NM_014423.4(AFF4):c.587G>A (p.Arg196Lys)

Gene: AFF4 (ALF transcription elongation factor 4; minus strand). Cytogenetic location: 5q31.1.
Variant type: single nucleotide variant.
Coding change: c.587G>A on transcript NM_014423.4 (MANE Select); coding-DNA position 587, G replaced by A.
Protein change: p.Arg196Lys; replaces arginine 196 with lysine.
Molecular consequence: missense variant.
Genome position (GRCh38, 1-based): chr5:132,934,478, C>T on the plus strand (G>A on the coding strand, the complement: AFF4 is on the minus strand). VCF-style: chr5-132934478-C-T. GRCh37 (hg19) VCF-style: chr5-132270170-C-T.
Other names: c.587G>A (NM_014423.3); short protein forms R196K.
Identifiers: ClinVar variation 1363791 (VCV001363791.10), dbSNP rs182027704, ClinGen allele CA3409406.

ClinVar aggregate classification (germline): Conflicting classifications of pathogenicity. Review status: criteria provided, conflicting classifications (1 of 4 stars). 3 submissions from 3 submitters: Uncertain significance (1); Likely benign (1). 1 of the submissions does not count toward it. Last evaluated 2025-11-27.

Conditions:
Inborn genetic diseases. Identifiers: MedGen C0950123, MeSH D030342.
Cognitive impairment - coarse facies - heart defects - obesity - pulmonary involvement - short stature - skeletal dysplasia syndrome. Also called: Chops syndrome; AFF4-Related CHOPS Syndrome; COGNITIVE IMPAIRMENT, COARSE FACIES, HEART DEFECTS, OBESITY, PULMONARY INVOLVEMENT, SHORT STATURE, AND SKELETAL DYSPLASIA. Identifiers: Orphanet 444077, MedGen C4085597, MONDO:0014609, OMIM 616368.
AFF4-related disorder. Also called: AFF4-related condition.

Allele frequency attached by ClinVar (database versions not stated): gnomAD exomes 0.00002 and 0.00004; ExAC 0.00004; gnomAD 0.00009; 1000 Genomes Project 30x 0.00016; TOPMed 0.00016; 1000 Genomes Project 0.00020.

Submissions (3):

Labcorp Genetics (formerly Invitae), Labcorp
Classification: Uncertain significance for Cognitive impairment - coarse facies - heart defects - obesity - pulmonary involvement - short stature - skeletal dysplasia syndrome. Last evaluated: 2025-11-27. Review status: criteria provided, single submitter. Criteria: Invitae Variant Classification Sherloc (09022015). Collection method: clinical testing. Allele origin: germline.
Comment: This sequence change replaces arginine, which is basic and polar, with lysine, which is basic and polar, at codon 196 of the AFF4 protein (p.Arg196Lys). This variant is present in population databases (rs182027704, gnomAD 0.03%). This variant has not been reported in the literature in individuals affected with AFF4-related conditions. ClinVar contains an entry for this variant (Variation ID: 1363791). Invitae Evidence Modeling of protein sequence and biophysical properties (such as structural, functional, and spatial information, amino acid conservation, physicochemical variation, residue mobility, and thermodynamic stability) indicates that this missense variant is not expected to disrupt AFF4 protein function with a negative predictive value of 80%. In summary, the available evidence is currently insufficient to determine the role of this variant in disease. Therefore, it has been classified as a Variant of Uncertain Significance.

Ambry Genetics
Classification: Likely benign for Inborn genetic diseases. Last evaluated: 2024-01-03. Review status: criteria provided, single submitter. Criteria: Ambry Variant Classification Scheme 2023. Collection method: clinical testing. Allele origin: germline.

PreventionGenetics, part of Exact Sciences
Classification: Uncertain significance for AFF4-related condition. Last evaluated: 2024-03-06. Review status: no assertion criteria provided. Collection method: clinical testing. Allele origin: germline. Not counted in ClinVar's aggregate classification.
Comment: The AFF4 c.587G>A variant is predicted to result in the amino acid substitution p.Arg196Lys. To our knowledge, this variant has not been reported in the literature. This variant is reported in 0.026% of alleles in individuals of Latino descent in gnomAD, which is likely too common for an undocumented disease-causing variant. Although we suspect that this variant may be benign, at this time, the clinical significance of this variant is uncertain due to the absence of conclusive functional and genetic evidence.